The following is an entry in ClinVar:

ClinVar aggregate classification (germline): Uncertain significance (1 of 4 stars; one submission).

Conditions:
Familial intrahepatic cholestasis. Identifiers: Orphanet 284385, MedGen CN296401, MONDO:0017290.

Submission:

Genomenon, Inc
Classification: Uncertain significance for Familial intrahepatic cholestasis. Last evaluated: 2026-04-14. Review status: criteria provided, single submitter. Criteria: Genomenon Sequence Variant Interpretation Standards - Updated. Collection method: curation. Allele origin: germline. Affected: no.
Comment: ATP8B1 p.His535Asn (c.1603C>A) is a missense variant that changes the amino acid at residue 535 from Histidine to Asparagine. This variant has been reported in the published literature (PMID:24260417). It is absent or not present at a significant frequency in gnomAD. In conclusion, we classify ATP8B1 p.His535Asn (c.1603C>A) as a variant of uncertain significance.

Literature cited by the submitters: PubMed 24260417.

NM_001374385.1(ATP8B1):c.1603C>A (p.His535Asn)

Gene: ATP8B1 (ATPase phospholipid transporting 8B1; minus strand). Cytogenetic location: 18q21.31.
Variant type: single nucleotide variant.
Coding change: c.1603C>A on transcript NM_001374385.1 (MANE Select); coding-DNA position 1603, C replaced by A.
Protein change: p.His535Asn; replaces histidine 535 with asparagine.
Molecular consequence: missense variant.
Genome position (GRCh38, 1-based): chr18:57,684,063, G>T on the plus strand (C>A on the coding strand, the complement: ATP8B1 is on the minus strand). VCF-style: chr18-57684063-G-T. GRCh37 (hg19) VCF-style: chr18-55351295-G-T.
Other names: c.1453C>A, p.His485Asn (NM_001374386.1); c.1603C>A, p.His535Asn (NM_005603.6); short protein forms H485N, H535N.
Identifiers: ClinVar variation 4846170 (VCV004846170.1).